The following is an entry in ClinVar:

NM_003737.4(DCHS1):c.701C>T (p.Pro234Leu)

Gene: DCHS1 (dachsous cadherin-related 1; minus strand). Cytogenetic location: 11p15.4.
Variant type: single nucleotide variant.
Coding change: c.701C>T on transcript NM_003737.4 (MANE Select); coding-DNA position 701, C replaced by T.
Protein change: p.Pro234Leu; replaces proline 234 with leucine.
Molecular consequence: missense variant.
Genome position (GRCh38, 1-based): chr11:6,640,913, G>A on the plus strand (C>T on the coding strand, the complement: DCHS1 is on the minus strand). VCF-style: chr11-6640913-G-A. GRCh37 (hg19) VCF-style: chr11-6662144-G-A.
Other names: c.701C>T (NM_003737.2); short protein forms P234L.
Identifiers: ClinVar variation 2901699 (VCV002901699.4), dbSNP rs149022037, ClinGen allele CA5861108.
Genomic context (GRCh38, chr11:6,640,913, plus strand): 5'-GCCGGGGCATGGTCATTGATGTCCAGCAGTGTCACGTCCAGCAGGGCCTGGGCCCTCCGG[G>A]GGGGTGAACCACCATCATAGGCCTCCAGCTGTAGCATATAGTGTGAGCGGTTCTCTCGGT-3'
Protein context (NP_003728.1, residues 224-244): QLEAYDGGSP[Pro234Leu]RRAQALLDVT

ClinVar aggregate classification (germline): Uncertain significance. Review status: criteria provided, multiple submitters, no conflicts (2 of 4 stars). 2 submissions from 2 submitters: Uncertain significance (2). Last evaluated 2025-11-27.

Conditions:
Inborn genetic diseases. Identifiers: MedGen C0950123, MeSH D030342.

Submissions (2):

Labcorp Genetics (formerly Invitae), Labcorp
Classification: Uncertain significance. Last evaluated: 2025-11-27. Review status: criteria provided, single submitter. Criteria: Invitae Variant Classification Sherloc (09022015). Collection method: clinical testing. Allele origin: germline.
Comment: This sequence change replaces proline, which is neutral and non-polar, with leucine, which is neutral and non-polar, at codon 234 of the DCHS1 protein (p.Pro234Leu). This variant is present in population databases (rs149022037, gnomAD 0.006%). This variant has not been reported in the literature in individuals affected with DCHS1-related conditions. ClinVar contains an entry for this variant (Variation ID: 2901699). Invitae Evidence Modeling of protein sequence and biophysical properties (such as structural, functional, and spatial information, amino acid conservation, physicochemical variation, residue mobility, and thermodynamic stability) indicates that this missense variant is not expected to disrupt DCHS1 protein function with a negative predictive value of 95%. In summary, the available evidence is currently insufficient to determine the role of this variant in disease. Therefore, it has been classified as a Variant of Uncertain Significance.

Ambry Genetics
Classification: Uncertain significance for Inborn genetic diseases. Last evaluated: 2024-04-26. Review status: criteria provided, single submitter. Criteria: Ambry Variant Classification Scheme 2023. Collection method: clinical testing. Allele origin: germline.